The following is an entry in ClinVar:

NM_001197104.2(KMT2A):c.2519C>T (p.Thr840Ile)

Gene: KMT2A (lysine methyltransferase 2A; plus strand). Cytogenetic location: 11q23.3.
Variant type: single nucleotide variant.
Coding change: c.2519C>T on transcript NM_001197104.2 (MANE Select); coding-DNA position 2519, C replaced by T.
Protein change: p.Thr840Ile; replaces threonine 840 with isoleucine.
Molecular consequence: missense variant.
Genome position (GRCh38, 1-based): chr11:118,473,678, C>T. VCF-style: chr11-118473678-C-T. GRCh37 (hg19) VCF-style: chr11-118344393-C-T.
Other names: c.2618C>T, p.Thr873Ile (NM_001412597.1); c.2519C>T, p.Thr840Ile (NM_005933.4); short protein forms T873I, T840I.
Identifiers: ClinVar variation 3673571 (VCV003673571.2).

ClinVar aggregate classification (germline): Uncertain significance (1 of 4 stars; one submission).

gnomAD v4.1: 1 of 1,614,006 alleles (0.000062%); highest among the groups gnomAD compares: African/African-American, 0.0013%; no homozygotes.

Submission:

Labcorp Genetics (formerly Invitae), Labcorp
Classification: Uncertain significance. Last evaluated: 2024-03-20. Review status: criteria provided, single submitter. Criteria: Invitae Variant Classification Sherloc (09022015). Collection method: clinical testing. Allele origin: germline.
Comment: This sequence change replaces threonine, which is neutral and polar, with isoleucine, which is neutral and non-polar, at codon 840 of the KMT2A protein (p.Thr840Ile). This variant is present in population databases (no rsID available, gnomAD 0.01%). This variant has not been reported in the literature in individuals affected with KMT2A-related conditions. Advanced modeling of protein sequence and biophysical properties (such as structural, functional, and spatial information, amino acid conservation, physicochemical variation, residue mobility, and thermodynamic stability) has been performed at Invitae for this missense variant, however the output from this modeling did not meet the statistical confidence thresholds required to predict the impact of this variant on KMT2A protein function. In summary, the available evidence is currently insufficient to determine the role of this variant in disease. Therefore, it has been classified as a Variant of Uncertain Significance.